The following is an entry in ClinVar:

ClinVar aggregate classification (germline): Likely benign. Review status: reviewed by expert panel (3 of 4 stars). 8 submissions from 8 submitters: Likely benign (1). 7 of the submissions do not count toward it. Last evaluated 2017-06-29.

Conditions:
Hereditary cancer-predisposing syndrome. Also called: Tumor predisposition; Neoplastic Syndromes, Hereditary; Hereditary Cancer Syndrome; Hereditary neoplastic syndrome. Identifiers: Orphanet 140162, MedGen C0027672, MeSH D009386, MONDO:0015356.
Hereditary breast ovarian cancer syndrome. Also called: Hereditary breast and ovarian cancer; Hereditary breast and ovarian cancer syndrome (HBOC); Breast and ovarian cancer; Hereditary breast and/or ovarian cancer syndrome; BRCA1- and BRCA2-Associated Hereditary Breast and Ovarian Cancer; Hereditary breast and ovarian cancer syndrome. Identifiers: Orphanet 145, MedGen C0677776, MeSH D061325, MONDO:0003582. Disease mechanism: loss of function.
Breast-ovarian cancer, familial, susceptibility to, 1 (BROVCA1). Also called: OVARIAN CANCER, SUSCEPTIBILITY TO; BRCA1 Hereditary Breast and Ovarian Cancer. Identifiers: Orphanet 145, MedGen C2676676, MONDO:0011450, OMIM 604370. Disease mechanism: loss of function.

Allele frequency attached by ClinVar (database versions not stated): TOPMed 0.00002; gnomAD 0.00001; gnomAD exomes 0.00001 and 0.00002.
gnomAD v4.1: 11 of 1,613,396 alleles (0.00068%); highest among the groups gnomAD compares: Admixed American, 0.013%; no homozygotes.

Submissions (8):

Evidence-based Network for the Interpretation of Germline Mutant Alleles (ENIGMA)
Classification: Likely benign for Breast-ovarian cancer, familial, susceptibility to, 1. Last evaluated: 2017-06-29. Review status: reviewed by expert panel. Criteria: ENIGMA BRCA1/2 Classification Criteria (2017-06-29). Collection method: curation. Allele origin: germline.
Comment: Synonymous substitution variant, with low bioinformatic likelihood to result in a splicing aberration (Splicing prior probability 0.02).

Labcorp Genetics (formerly Invitae), Labcorp
Classification: Likely benign for Hereditary breast ovarian cancer syndrome. Last evaluated: 2025-11-06. Review status: criteria provided, single submitter. Criteria: Invitae Variant Classification Sherloc (09022015). Collection method: clinical testing. Allele origin: germline. Not counted in ClinVar's aggregate classification.

CeGaT Center for Human Genetics Tuebingen
Classification: Likely benign. Last evaluated: 2025-02-01. Review status: criteria provided, single submitter. Criteria: CeGaT Center For Human Genetics Tuebingen Variant Classification Criteria Version 2. Collection method: clinical testing. Allele origin: germline. Affected: yes. Observed: 1 variant allele. Not counted in ClinVar's aggregate classification.
Comment: BRCA1: BP4, BP7

All of Us Research Program, National Institutes of Health
Classification: Likely benign for Breast-ovarian cancer, familial, susceptibility to, 1. Last evaluated: 2023-04-03. Review status: criteria provided, single submitter. Criteria: ACMG Guidelines, 2015. Collection method: clinical testing. Allele origin: germline. Inheritance: Autosomal dominant inheritance. Observed: 1 variant allele, 1 heterozygote. Not counted in ClinVar's aggregate classification.
Comment: This study involves interpretation of variants in research participants for the purpose of population health screening. Participant phenotype was not available at the time of variant classification. Additional details can be found in publication PMID: 35346344, PMCID: PMC8962531

Women's Health and Genetics/Laboratory Corporation of America, LabCorp
Classification: Likely benign. Last evaluated: 2019-08-21. Review status: criteria provided, single submitter. Criteria: LabCorp Variant Classification Summary - May 2015. Collection method: clinical testing. Allele origin: germline. Not counted in ClinVar's aggregate classification.

Quest Diagnostics Nichols Institute San Juan Capistrano
Classification: Likely benign. Last evaluated: 2017-05-11. Review status: criteria provided, single submitter. Criteria: Quest Diagnostics criteria. Collection method: clinical testing. Allele origin: germline. Not counted in ClinVar's aggregate classification.

Color Diagnostics, LLC DBA Color Health
Classification: Likely benign for Hereditary cancer-predisposing syndrome. Last evaluated: 2016-12-06. Review status: criteria provided, single submitter. Criteria: ACMG Guidelines, 2015. Collection method: clinical testing. Allele origin: germline. Not counted in ClinVar's aggregate classification.

Ambry Genetics
Classification: Likely benign for Hereditary cancer-predisposing syndrome. Last evaluated: 2014-06-19. Review status: criteria provided, single submitter. Criteria: Ambry Variant Classification Scheme 2023. Collection method: clinical testing. Allele origin: germline. Not counted in ClinVar's aggregate classification.

NM_007294.4(BRCA1):c.699A>G (p.Val233=)

Gene: BRCA1 (BRCA1 DNA repair associated; minus strand). Cytogenetic location: 17q21.31.
Variant type: single nucleotide variant.
Coding change: c.699A>G on transcript NM_007294.4 (MANE Select); coding-DNA position 699, A replaced by G.
Protein change: p.Val233=; no amino-acid change (valine 233 retained).
Molecular consequence: synonymous variant. On other transcripts: 5 prime UTR variant (2), intron variant (13).
Genome position (GRCh38, 1-based): chr17:43,094,832, T>C on the plus strand (A>G on the coding strand, the complement: BRCA1 is on the minus strand). VCF-style: chr17-43094832-T-C. GRCh37 (hg19) VCF-style: chr17-41246849-T-C.
Other names: c.489A>G, p.Val163= (NM_001407902.1, NM_001407904.1, NM_001407906.1 and 25 more transcripts); c.486A>G, p.Val162= (NM_001407915.1, NM_001407916.1, NM_001407917.1 and 12 more transcripts); c.576A>G, p.Val192= (NM_001407919.1, NM_001407937.1, NM_001407938.1 and 34 more transcripts); c.435A>G, p.Val145= (NM_001407920.1, NM_001407921.1, NM_001407922.1 and 15 more transcripts); c.432A>G, p.Val144= (NM_001407930.1, NM_001407931.1, NM_001407932.1 and 5 more transcripts); c.573A>G, p.Val191= (NM_001407940.1, NM_001407941.1, NM_001408432.1 and 20 more transcripts); c.558A>G, p.Val186= (NM_001407942.1, NM_001407944.1, NM_001407945.1 and 43 more transcripts); c.555A>G, p.Val185= (NM_001407943.1, NM_001407964.1, NM_001408462.1 and 26 more transcripts); and 20 more.
Identifiers: ClinVar variation 185425 (VCV000185425.38), dbSNP rs786202162, ClinGen allele CA003823.